The following is an entry in ClinVar:

ClinVar aggregate classification (germline): Likely benign. Review status: criteria provided, multiple submitters, no conflicts (2 of 4 stars). 3 submissions from 3 submitters: Likely benign (3). Last evaluated 2025-12-21.

Conditions:
Cardiomyopathy (CMYO). Also called: Cardiomyopathies. Identifiers: Orphanet 167848, MedGen C0878544, MONDO:0004994, HP:0001638. Inheritance: Various modes of inheritance.
Hypertrophic cardiomyopathy. Also called: HYPERTROPHIC MYOCARDIOPATHY. Identifiers: Orphanet 217569, MedGen C0007194, MeSH D002312, MONDO:0005045, HP:0001639.

Allele frequency attached by ClinVar (database versions not stated): gnomAD exomes 0.00001 and 0.00002; ExAC 0.00002.
gnomAD v4.1: 10 of 1,614,112 alleles (0.00062%); highest among the groups gnomAD compares: South Asian, 0.0099%; no homozygotes.

Submissions (3):

Labcorp Genetics (formerly Invitae), Labcorp
Classification: Likely benign for Hypertrophic cardiomyopathy. Last evaluated: 2025-12-21. Review status: criteria provided, single submitter. Criteria: Invitae Variant Classification Sherloc (09022015). Collection method: clinical testing. Allele origin: germline.

All of Us Research Program, National Institutes of Health
Classification: Likely benign for Cardiomyopathy. Last evaluated: 2023-08-28. Review status: criteria provided, single submitter. Criteria: ACMG Guidelines, 2015. Collection method: clinical testing. Allele origin: germline. Inheritance: Autosomal dominant inheritance. Observed: 1 variant allele, 1 heterozygote.
Comment: This study involves interpretation of variants in research participants for the purpose of population health screening. Participant phenotype was not available at the time of variant classification. Additional details can be found in publication PMID: 35346344, PMCID: PMC8962531

Color Diagnostics, LLC DBA Color Health
Classification: Likely benign for Cardiomyopathy. Last evaluated: 2018-11-14. Review status: criteria provided, single submitter. Criteria: ACMG Guidelines, 2015. Collection method: clinical testing. Allele origin: germline.

NM_000257.4(MYH7):c.1889-11C>T

Gene: MYH7 (myosin heavy chain 7; minus strand). Cytogenetic location: 14q11.2.
Variant type: single nucleotide variant.
Coding change: c.1889-11C>T on transcript NM_000257.4 (MANE Select); 11 bases into the intron before coding-DNA position 1889, C replaced by T.
Molecular consequence: intron variant.
Genome position (GRCh38, 1-based): chr14:23,427,318, G>A on the plus strand (C>T on the coding strand, the complement: MYH7 is on the minus strand). VCF-style: chr14-23427318-G-A. GRCh37 (hg19) VCF-style: chr14-23896527-G-A.
Identifiers: ClinVar variation 927410 (VCV000927410.4), dbSNP rs771303267, ClinGen allele CA029819.